The following is an entry in ClinVar:

ClinVar aggregate classification (germline): Benign/Likely benign. Review status: criteria provided, multiple submitters, no conflicts (2 of 4 stars). 3 submissions from 3 submitters: Benign (1); Likely benign (2). Last evaluated 2026-05-15.

Conditions:
Neurofibromatosis, type 1 (NF1). Also called: Peripheral type neurofibromatosis; NEUROFIBROMATOSIS, TYPE I, SOMATIC; VON RECKLINGHAUSEN DISEASE; Neurofibromatosis, type I. Identifiers: Orphanet 636, MedGen C0027831, MONDO:0018975, OMIM 162200. Disease mechanism: loss of function.
Cardiovascular phenotype. Identifiers: MedGen CN230736.
Hereditary cancer-predisposing syndrome. Also called: Neoplastic Syndromes, Hereditary; Tumor predisposition; Hereditary Cancer Syndrome; Hereditary neoplastic syndrome. Identifiers: Orphanet 140162, MedGen C0027672, MeSH D009386, MONDO:0015356.

Allele frequency attached by ClinVar (database versions not stated): gnomAD exomes below 0.00001; TOPMed below 0.00001.
gnomAD v4.1: 2 of 1,614,190 alleles (0.00012%); highest among the groups gnomAD compares: Admixed American, 0.0017%; no homozygotes.

Submissions (3):

Myriad Genetics, Inc.
Classification: Benign for Neurofibromatosis, type 1. Last evaluated: 2026-05-15. Review status: criteria provided, single submitter. Criteria: Myriad Autosomal Dominant, Autosomal Recessive and X-Linked Classification Criteria (2023). Collection method: clinical testing. Allele origin: unknown.
Comment: This variant is considered benign. This variant is a silent/synonymous amino acid change and it is not expected to impact splicing.

Labcorp Genetics (formerly Invitae), Labcorp
Classification: Likely benign for Neurofibromatosis, type 1. Last evaluated: 2025-08-11. Review status: criteria provided, single submitter. Criteria: Invitae Variant Classification Sherloc (09022015). Collection method: clinical testing. Allele origin: germline.

Ambry Genetics
Classification: Likely benign for Cardiovascular phenotype; Hereditary cancer-predisposing syndrome. Last evaluated: 2023-07-12. Review status: criteria provided, single submitter. Criteria: Ambry Variant Classification Scheme 2023. Collection method: clinical testing. Allele origin: germline.

NM_001042492.3(NF1):c.1014T>C (p.Asp338=)

Gene: NF1 (neurofibromin 1; plus strand). Cytogenetic location: 17q11.2.
Variant type: single nucleotide variant.
Coding change: c.1014T>C on transcript NM_001042492.3 (MANE Select); coding-DNA position 1014, T replaced by C.
Protein change: p.Asp338=; no amino-acid change (aspartic acid 338 retained).
Molecular consequence: synonymous variant.
Genome position (GRCh38, 1-based): chr17:31,200,547, T>C. VCF-style: chr17-31200547-T-C. GRCh37 (hg19) VCF-style: chr17-29527565-T-C.
Other names: c.1014T>C, p.Asp338= (NM_000267.4, NM_001128147.3).
Identifiers: ClinVar variation 1085830 (VCV001085830.9), dbSNP rs2066508867, ClinGen allele CA499218528.